The following is an entry in ClinVar:

NM_004380.3(CREBBP):c.5837C>A (p.Pro1946Gln)

Gene: CREBBP (CREB binding lysine acetyltransferase; minus strand). Cytogenetic location: 16p13.3.
Variant type: single nucleotide variant.
Coding change: c.5837C>A on transcript NM_004380.3 (MANE Select); coding-DNA position 5837, C replaced by A.
Protein change: p.Pro1946Gln; replaces proline 1946 with glutamine.
Molecular consequence: missense variant.
Genome position (GRCh38, 1-based): chr16:3,729,210, G>T on the plus strand (C>A on the coding strand, the complement: CREBBP is on the minus strand). VCF-style: chr16-3729210-G-T. GRCh37 (hg19) VCF-style: chr16-3779211-G-T.
Other names: c.5723C>A, p.Pro1908Gln (NM_001079846.1); short protein forms P1946Q, P1908Q.
Identifiers: ClinVar variation 577675 (VCV000577675.16), dbSNP rs765600316, ClinGen allele CA7869240.

ClinVar aggregate classification (germline): Conflicting classifications of pathogenicity. Review status: criteria provided, conflicting classifications (1 of 4 stars). 5 submissions from 5 submitters: Uncertain significance (3); Benign (2). Last evaluated 2026-04-02.

Conditions:
Rubinstein-Taybi syndrome due to CREBBP mutations (RSTS1). Also called: Rubinstein-Taybi syndrome 1; RUBINSTEIN-TAYBI SYNDROME 1, INCOMPLETE; BROAD THUMBS AND GREAT TOES, CHARACTERISTIC FACIES, AND IMPAIRED INTELLECTUAL DEVELOPMENT; BROAD THUMB-HALLUX SYNDROME; CREBBP-Related Rubinstein-Taybi Syndrome; RUBINSTEIN SYNDROME. Identifiers: Orphanet 353277, Orphanet 783, MedGen C4551859, MONDO:0008393, OMIM 180849.
Rubinstein-Taybi syndrome (RSTS). Identifiers: Orphanet 783, MedGen C0035934, MONDO:0019188.
Inborn genetic diseases. Identifiers: MedGen C0950123, MeSH D030342.
CREBBP-related disorder. Also called: CREBBP-related disorders; CREBBP-related condition.
Menke-Hennekam syndrome 1 (MKHK1). Identifiers: MedGen C5193034, MONDO:0020763, OMIM 618332.

Allele frequency attached by ClinVar (database versions not stated): TOPMed 0.00002; ExAC 0.00009.

Submissions (5):

PreventionGenetics, part of Exact Sciences
Classification: Uncertain significance for CREBBP-related condition. Last evaluated: 2026-04-02. Review status: criteria provided, single submitter. Criteria: ACMG Guidelines, 2015. Collection method: clinical testing. Allele origin: germline.
Comment: The CREBBP c.5837C>A variant is predicted to result in the amino acid substitution p.Pro1946Gln. To our knowledge, this variant has not been reported in the literature. This variant is reported in 0.016% of alleles in individuals of African descent in gnomAD, which is likely too common for an undocumented disease-causing variant. Although we suspect this variant may be benign, at this time its clinical significance is uncertain due to the absence of conclusive functional and genetic evidence.

Labcorp Genetics (formerly Invitae), Labcorp
Classification: Benign for Rubinstein-Taybi syndrome. Last evaluated: 2025-10-14. Review status: criteria provided, single submitter. Criteria: Invitae Variant Classification Sherloc (09022015). Collection method: clinical testing. Allele origin: germline.

Johns Hopkins Genomics, Johns Hopkins University
Classification: Benign for Rubinstein-Taybi syndrome due to CREBBP mutations. Last evaluated: 2024-03-07. Review status: criteria provided, single submitter. Criteria: ACMG Guidelines, 2015. Collection method: clinical testing. Allele origin: germline.
Comment: PM2, PP2, BS1, BS2, BP4

Fulgent Genetics
Classification: Uncertain significance for Rubinstein-Taybi syndrome due to CREBBP mutations; Menke-Hennekam syndrome 1. Last evaluated: 2021-12-10. Review status: criteria provided, single submitter. Criteria: ACMG Guidelines, 2015. Collection method: clinical testing. Allele origin: unknown.

Ambry Genetics
Classification: Uncertain significance for Inborn genetic diseases. Last evaluated: 2017-10-13. Review status: criteria provided, single submitter. Criteria: Ambry Variant Classification Scheme 2023. Collection method: clinical testing. Allele origin: germline.
Comment: The p.P1946Q variant (also known as c.5837C>A), located in coding exon 31 of the CREBBP gene, results from a C to A substitution at nucleotide position 5837. The proline at codon 1946 is replaced by glutamine, an amino acid with similar properties. This amino acid position is not well conserved in available vertebrate species. In addition, this alteration is predicted to be tolerated by in silico analysis. Since supporting evidence is limited at this time, the clinical significance of this alteration remains unclear.

Literature cited by the submitters: PubMed 20301699 (cited by Johns Hopkins Genomics, Johns Hopkins University); PubMed 29359884 (cited by Johns Hopkins Genomics, Johns Hopkins University); PubMed 34652060 (cited by Johns Hopkins Genomics, Johns Hopkins University); PubMed 35626936 (cited by Johns Hopkins Genomics, Johns Hopkins University); PubMed 35986282 (cited by Johns Hopkins Genomics, Johns Hopkins University).